The following is an entry in ClinVar:

NM_000981.4(RPL19):c.209G>A (p.Arg70His)

Gene: RPL19 (ribosomal protein L19; plus strand). Cytogenetic location: 17q12.
Variant type: single nucleotide variant.
Coding change: c.209G>A on transcript NM_000981.4 (MANE Select); coding-DNA position 209, G replaced by A.
Protein change: p.Arg70His; replaces arginine 70 with histidine.
Molecular consequence: missense variant.
Genome position (GRCh38, 1-based): chr17:39,202,413, G>A. VCF-style: chr17-39202413-G-A. GRCh37 (hg19) VCF-style: chr17-37358666-G-A.
Other names: c.203G>A, p.Arg68His (NM_001330200.1); short protein forms R68H, R70H.
Identifiers: ClinVar variation 1434039 (VCV001434039.8), dbSNP rs753636117, ClinGen allele CA8528867.

ClinVar aggregate classification (germline): Uncertain significance (1 of 4 stars; one submission).

Allele frequency attached by ClinVar (database versions not stated): gnomAD 0.00001 and 0.00002; ExAC 0.00002; gnomAD exomes 0.00002 and 0.00005; TOPMed 0.00002.
gnomAD v4.1: 72 of 1,614,074 alleles (0.0045%); highest among the groups gnomAD compares: Non-Finnish European, 0.0058%; no homozygotes.

Submission:

Labcorp Genetics (formerly Invitae), Labcorp
Classification: Uncertain significance. Last evaluated: 2024-10-05. Review status: criteria provided, single submitter. Criteria: Invitae Variant Classification Sherloc (09022015). Collection method: clinical testing. Allele origin: germline.
Comment: This sequence change replaces arginine, which is basic and polar, with histidine, which is basic and polar, at codon 70 of the RPL19 protein (p.Arg70His). This variant is present in population databases (rs753636117, gnomAD 0.004%). This variant has not been reported in the literature in individuals affected with RPL19-related conditions. ClinVar contains an entry for this variant (Variation ID: 1434039). An algorithm developed to predict the effect of missense changes on protein structure and function (PolyPhen-2) suggests that this variant is likely to be tolerated. In summary, the available evidence is currently insufficient to determine the role of this variant in disease. Therefore, it has been classified as a Variant of Uncertain Significance.